The following is an entry in ClinVar:

ClinVar aggregate classification (germline): Pathogenic (1 of 4 stars; one submission).

Conditions:
Brunner syndrome (BRNRS). Identifiers: Orphanet 3057, MedGen C0796275, MONDO:0010379, OMIM 300615.

Submission:

Labcorp Genetics (formerly Invitae), Labcorp
Classification: Pathogenic for Brunner syndrome. Last evaluated: 2020-07-02. Review status: criteria provided, single submitter. Criteria: Invitae Variant Classification Sherloc (09022015). Collection method: clinical testing. Allele origin: germline.
Comment: For these reasons, this variant has been classified as Pathogenic. Loss-of-function variants in MAOA are known to be pathogenic (PMID: 8211186). This variant has not been reported in the literature in individuals with MAOA-related conditions. This variant is not present in population databases (ExAC no frequency). This sequence change creates a premature translational stop signal (p.Gly405Alafs*12) in the MAOA gene. It is expected to result in an absent or disrupted protein product.

Literature cited by the submitters: PubMed 8211186.

NM_000240.4(MAOA):c.1214del (p.Gly405fs)

Gene: MAOA (monoamine oxidase A; plus strand). Cytogenetic location: Xp11.3.
Variant type: Deletion.
Coding change: c.1214del on transcript NM_000240.4 (MANE Select); coding-DNA position 1214, one base deleted (G; older notation c.1214delG).
Protein change: p.Gly405fs; shifts the reading frame from glycine 405.
Molecular consequence: frameshift variant.
Genome position (GRCh38, 1-based): chrX:43,741,999, G deleted; the last of 5 consecutive G bases (chrX:43,741,995-43,741,999); deleting any one gives the same sequence. VCF-style (leftmost placement, unchanged base first): chrX-43741994-TG-T. GRCh37 (hg19) VCF-style: chrX-43601241-TG-T.
Other names: c.815del, p.Gly272fs (NM_001270458.2); short protein forms G272fs, G405fs.
Identifiers: ClinVar variation 1074868 (VCV001074868.7), dbSNP rs2147107556, ClinGen allele CA2499226719.